The following is an entry in ClinVar:

NM_000282.4(PCCA):c.2038G>A (p.Ala680Thr)

Gene: PCCA (propionyl-CoA carboxylase subunit alpha; plus strand). Cytogenetic location: 13q32.3.
Variant type: single nucleotide variant.
Coding change: c.2038G>A on transcript NM_000282.4 (MANE Select); coding-DNA position 2038, G replaced by A.
Protein change: p.Ala680Thr; replaces alanine 680 with threonine.
Molecular consequence: missense variant. On other transcripts: non-coding transcript variant (4), intron variant (2).
Genome position (GRCh38, 1-based): chr13:100,515,565, G>A. VCF-style: chr13-100515565-G-A. GRCh37 (hg19) VCF-style: chr13-101167819-G-A.
Other names: c.1960G>A, p.Ala654Thr (NM_001127692.3); c.1984G>A, p.Ala662Thr (NM_001352605.2); c.1894G>A, p.Ala632Thr (NM_001352606.2); c.1816G>A, p.Ala606Thr (NM_001352608.2); c.1093G>A, p.Ala365Thr (NM_001352610.2); c.1039G>A, p.Ala347Thr (NM_001352611.2); c.949G>A, p.Ala317Thr (NM_001352612.2); c.1900-12110G>A (NM_001178004.2); and 2 more; short protein forms A317T, A347T, A662T, A680T, A365T, A606T, A632T, A654T.
Identifiers: ClinVar variation 1417978 (VCV001417978.6), dbSNP rs201570489, ClinGen allele CA7033874.
Genomic context (GRCh38, chr13:100,515,565, plus strand): 5'-AGTGTTCTGCGTTCCCCGATGCCCGGAGTGGTGGTGGCCGTCTCTGTCAAGCCTGGAGAC[G>A]CGGTAAGGGCTGTGTGTGTCTCTCTGCAGGACATGCTGGTCTCCAACTTCCCCTTCCAAA-3'
Protein context (NP_000273.2, residues 670-690): VVAVSVKPGD[Ala680Thr]VAEGQEICVI

ClinVar aggregate classification (germline): Conflicting classifications of pathogenicity. Review status: criteria provided, conflicting classifications (1 of 4 stars). 2 submissions from 2 submitters: Uncertain significance (1); Likely benign (1). Last evaluated 2025-07-03.

Conditions:
Inborn genetic diseases. Identifiers: MedGen C0950123, MeSH D030342.
Propionic acidemia (PROP). Also called: KETOTIC HYPERGLYCINEMIA; GLYCINEMIA, KETOTIC; HYPERGLYCINEMIA WITH KETOACIDOSIS AND LEUKOPENIA. Identifiers: Orphanet 35, MedGen C0268579, MONDO:0011628, OMIM 606054, HP:0003571.

Allele frequency attached by ClinVar (database versions not stated): gnomAD 0.00001; gnomAD exomes 0.00001 and 0.00002; ExAC 0.00002; 1000 Genomes Project 30x 0.00016; 1000 Genomes Project 0.00020.
gnomAD v4.1: 34 of 1,613,566 alleles (0.0021%); highest among the groups gnomAD compares: Middle Eastern, 0.017%; no homozygotes.

Submissions (2):

Labcorp Genetics (formerly Invitae), Labcorp
Classification: Uncertain significance for Propionic acidemia. Last evaluated: 2025-07-03. Review status: criteria provided, single submitter. Criteria: Invitae Variant Classification Sherloc (09022015). Collection method: clinical testing. Allele origin: germline.
Comment: This sequence change replaces alanine, which is neutral and non-polar, with threonine, which is neutral and polar, at codon 680 of the PCCA protein (p.Ala680Thr). This variant is present in population databases (rs201570489, gnomAD 0.007%). This variant has not been reported in the literature in individuals affected with PCCA-related conditions. ClinVar contains an entry for this variant (Variation ID: 1417978). An algorithm developed to predict the effect of missense changes on protein structure and function outputs the following: PolyPhen-2: "Benign". The threonine amino acid residue is found in multiple mammalian species, which suggests that this missense change does not adversely affect protein function. In summary, the available evidence is currently insufficient to determine the role of this variant in disease. Therefore, it has been classified as a Variant of Uncertain Significance.

Ambry Genetics
Classification: Likely benign for Inborn genetic diseases. Last evaluated: 2022-12-19. Review status: criteria provided, single submitter. Criteria: Ambry Variant Classification Scheme 2023. Collection method: clinical testing. Allele origin: germline.